The following is an entry in ClinVar:

ClinVar aggregate classification (germline): Uncertain significance (1 of 4 stars; one submission).

Conditions:
Autoimmune lymphoproliferative syndrome, type III caused by mutation in PRKCD. Identifiers: Orphanet 3261, Orphanet 664711, MedGen C3809928, MONDO:8000024, OMIM 615559.

Allele frequency attached by ClinVar (database versions not stated): TOPMed below 0.00001.

Submission:

Labcorp Genetics (formerly Invitae), Labcorp
Classification: Uncertain significance for Autoimmune lymphoproliferative syndrome, type III caused by mutation in PRKCD. Last evaluated: 2022-06-15. Review status: criteria provided, single submitter. Criteria: Invitae Variant Classification Sherloc (09022015). Collection method: clinical testing. Allele origin: germline.
Comment: This sequence change replaces glutamic acid, which is acidic and polar, with glycine, which is neutral and non-polar, at codon 675 of the PRKCD protein (p.Glu675Gly). In summary, the available evidence is currently insufficient to determine the role of this variant in disease. Therefore, it has been classified as a Variant of Uncertain Significance. Algorithms developed to predict the effect of missense changes on protein structure and function (SIFT, PolyPhen-2, Align-GVGD) all suggest that this variant is likely to be tolerated. This variant has not been reported in the literature in individuals affected with PRKCD-related conditions. This variant is not present in population databases (gnomAD no frequency).

NM_006254.4(PRKCD):c.2024A>G (p.Glu675Gly)

Genes: PRKCD (protein kinase C delta; plus strand), LOC129936899 (ATAC-STARR-seq lymphoblastoid active region 19967; plus strand). Cytogenetic location: 3p21.1.
Variant type: single nucleotide variant.
Coding change: c.2024A>G on transcript NM_006254.4 (MANE Select); coding-DNA position 2024, A replaced by G.
Protein change: p.Glu675Gly; replaces glutamic acid 675 with glycine.
Molecular consequence: missense variant.
Genome position (GRCh38, 1-based): chr3:53,192,259, A>G. VCF-style: chr3-53192259-A-G. GRCh37 (hg19) VCF-style: chr3-53226275-A-G.
Other names: c.2024A>G, p.Glu675Gly (NM_001316327.2, NM_001354679.2, NM_001354680.2 and 1 more transcripts); c.2081A>G, p.Glu694Gly (NM_001354676.2); c.2072A>G, p.Glu691Gly (NM_001354678.2); short protein forms E691G, E675G, E694G.
Identifiers: ClinVar variation 2005798 (VCV002005798.4), dbSNP rs1352738082, ClinGen allele CA353225630.